The following is an entry in ClinVar:

ClinVar aggregate classification (germline): Uncertain significance. Review status: criteria provided, multiple submitters, no conflicts (2 of 4 stars). 2 submissions from 2 submitters: Uncertain significance (2). Last evaluated 2025-10-01.

Conditions:
Inborn genetic diseases. Identifiers: MedGen C0950123, MeSH D030342.
Microphthalmia with brain and digit anomalies (MCOPS6). Also called: MICROPHTHALMIA AND PITUITARY ANOMALIES; Microphthalmia, syndromic 6. Identifiers: Orphanet 139471, MedGen C1864689, MONDO:0011936, OMIM 607932.
Orofacial cleft 11 (OFC11). Also called: Orofacial cleft 11; ofc11; CLEFT LIP WITH OR WITHOUT CLEFT PALATE, NONSYNDROMIC, 11. Identifiers: MedGen C2677434, MONDO:0010906, OMIM 600625.

Allele frequency attached by ClinVar (database versions not stated): ExAC 0.00002; gnomAD 0.00002; gnomAD exomes 0.00002; TOPMed 0.00005.

Submissions (2):

Labcorp Genetics (formerly Invitae), Labcorp
Classification: Uncertain significance for Microphthalmia with brain and digit anomalies; Orofacial cleft 11. Last evaluated: 2025-10-01. Review status: criteria provided, single submitter. Criteria: Invitae Variant Classification Sherloc (09022015). Collection method: clinical testing. Allele origin: germline.
Comment: This sequence change replaces arginine, which is basic and polar, with tryptophan, which is neutral and slightly polar, at codon 288 of the BMP4 protein (p.Arg288Trp). This variant is present in population databases (rs756935500, gnomAD 0.008%). This variant has not been reported in the literature in individuals affected with BMP4-related conditions. ClinVar contains an entry for this variant (Variation ID: 2143882). Invitae Evidence Modeling of protein sequence and biophysical properties (such as structural, functional, and spatial information, amino acid conservation, physicochemical variation, residue mobility, and thermodynamic stability) indicates that this missense variant is not expected to disrupt BMP4 protein function with a negative predictive value of 80%. In summary, the available evidence is currently insufficient to determine the role of this variant in disease. Therefore, it has been classified as a Variant of Uncertain Significance.

Ambry Genetics
Classification: Uncertain significance for Inborn genetic diseases. Last evaluated: 2024-05-23. Review status: criteria provided, single submitter. Criteria: Ambry Variant Classification Scheme 2023. Collection method: clinical testing. Allele origin: germline.

NM_001202.6(BMP4):c.862C>T (p.Arg288Trp)

Gene: BMP4 (bone morphogenetic protein 4; minus strand). Cytogenetic location: 14q22.2.
Variant type: single nucleotide variant.
Coding change: c.862C>T on transcript NM_001202.6 (MANE Select); coding-DNA position 862, C replaced by T.
Protein change: p.Arg288Trp; replaces arginine 288 with tryptophan.
Molecular consequence: missense variant.
Genome position (GRCh38, 1-based): chr14:53,950,397, G>A on the plus strand (C>T on the coding strand, the complement: BMP4 is on the minus strand). VCF-style: chr14-53950397-G-A. GRCh37 (hg19) VCF-style: chr14-54417115-G-A.
Other names: c.862C>T (NM_001202.3); c.1003C>T, p.Arg335Trp (NM_001347912.1); c.673C>T, p.Arg225Trp (NM_001347913.2, NM_001347915.2, NM_001347917.1); c.862C>T, p.Arg288Trp (NM_001347914.2, NM_001347916.1, NM_130850.5 and 1 more transcripts); short protein forms R288W, R335W, R225W.
Identifiers: ClinVar variation 2143882 (VCV002143882.5), dbSNP rs756935500, ClinGen allele CA7191660.